The following is an entry in ClinVar:

ClinVar aggregate classification (germline): Uncertain significance (1 of 4 stars; one submission).

Conditions:
Pyogenic arthritis-pyoderma gangrenosum-acne syndrome (PAPA). Also called: FAMILIAL RECURRENT ARTHRITIS; PAPA SYNDROME. Identifiers: Orphanet 69126, MedGen C1858361, MONDO:0011462, OMIM 604416.

Submission:

Labcorp Genetics (formerly Invitae), Labcorp
Classification: Uncertain significance for Pyogenic arthritis-pyoderma gangrenosum-acne syndrome. Last evaluated: 2021-01-18. Review status: criteria provided, single submitter. Criteria: Invitae Variant Classification Sherloc (09022015). Collection method: clinical testing. Allele origin: germline.
Comment: In summary, the available evidence is currently insufficient to determine the role of this variant in disease. Therefore, it has been classified as a Variant of Uncertain Significance. This variant has not been reported in the literature in individuals with PSTPIP1-related conditions. This variant is not present in population databases (ExAC no frequency). This sequence change creates a premature translational stop signal (p.Gln285Profs*49) in the PSTPIP1 gene. It is expected to result in an absent or disrupted protein product. However, the current clinical and genetic evidence is not sufficient to establish whether loss-of-function variants in PSTPIP1 cause disease.

NM_003978.5(PSTPIP1):c.854_879del (p.Gln285fs)

Gene: PSTPIP1 (proline-serine-threonine phosphatase interacting protein 1; plus strand). Cytogenetic location: 15q24.3.
Variant type: Deletion.
Coding change: c.854_879del on transcript NM_003978.5 (MANE Select); coding-DNA positions 854 to 879, 26 bases deleted (AGAACTATTACGATCGGGAGGTCACC).
Protein change: p.Gln285fs; shifts the reading frame from glutamine 285.
Molecular consequence: frameshift variant. On other transcripts: intron variant (1).
Genome position (GRCh38, 1-based): chr15:77,032,877-77,032,902, AGAACTATTACGATCGGGAGGTCACC deleted; deleting any 26 consecutive bases within chr15:77,032,874-77,032,902 gives the same sequence; the c. name uses the placement nearest the transcript's 3' end. VCF-style (leftmost placement, unchanged base first): chr15-77032873-TACCAGAACTATTACGATCGGGAGGTC-T. GRCh37 (hg19) VCF-style: chr15-77325214-TACCAGAACTATTACGATCGGGAGGTC-T.
Other names: c.827_852del, p.Gln276fs (NM_001321136.2); c.1049_1074del, p.Gln350fs (NM_001321137.1); c.872+449_872+474del (NM_001321135.2); short protein forms Q285fs, Q350fs, Q276fs.
Identifiers: ClinVar variation 1353638 (VCV001353638.6), dbSNP rs2152689594, ClinGen allele CA2573151141.
Genomic context (GRCh38, chr15:77,032,873, plus strand): 5'-GAATGGGGTGTTGGGGGCCGCCCTGGGGCTCACGGCTTGCTGTCTGCAGCTCCGGTGCCC[TACCAGAACTATTACGATCGGGAGGTC>T]ACCCCGCTGACCAGCAGCCCTGGCATACAGCCGTCCTGCGGCATGATAAAGAGGTGAGGC-3'